The following is an entry in ClinVar:

NM_031483.7(ITCH):c.1723G>T (p.Gly575Trp)

Gene: ITCH (itchy E3 ubiquitin protein ligase; plus strand). Cytogenetic location: 20q11.22.
Variant type: single nucleotide variant.
Coding change: c.1723G>T on transcript NM_031483.7 (MANE Select); coding-DNA position 1723, G replaced by T.
Protein change: p.Gly575Trp; replaces glycine 575 with tryptophan.
Molecular consequence: missense variant.
Genome position (GRCh38, 1-based): chr20:34,479,694, G>T. VCF-style: chr20-34479694-G-T. GRCh37 (hg19) VCF-style: chr20-33067499-G-T.
Other names: c.1846G>T, p.Gly616Trp (NM_001257137.3, NM_001324197.2); c.1393G>T, p.Gly465Trp (NM_001257138.3); c.1723G>T, p.Gly575Trp (NM_001324198.2); short protein forms G575W, G465W, G616W.
Identifiers: ClinVar variation 2093411 (VCV002093411.4), dbSNP rs1412015966, ClinGen allele CA408669545.

ClinVar aggregate classification (germline): Uncertain significance. Review status: criteria provided, multiple submitters, no conflicts (2 of 4 stars). 2 submissions from 2 submitters: Uncertain significance (2). Last evaluated 2023-03-14.

Conditions:
Inborn genetic diseases. Identifiers: MedGen C0950123, MeSH D030342.
Syndromic multisystem autoimmune disease due to ITCH deficiency. Also called: AUTOIMMUNE DISEASE, MULTISYSTEM, WITH FACIAL DYSMORPHISM. Identifiers: Orphanet 228426, MedGen C3150649, MONDO:0013245, OMIM 613385.

Allele frequency attached by ClinVar (database versions not stated): gnomAD exomes below 0.00001.
gnomAD v4.1: 2 of 1,613,594 alleles (0.00012%); highest among the groups gnomAD compares: Non-Finnish European, 0.00017%; no homozygotes.

Submissions (2):

Ambry Genetics
Classification: Uncertain significance for Inborn genetic diseases. Last evaluated: 2023-03-14. Review status: criteria provided, single submitter. Criteria: Ambry Variant Classification Scheme 2023. Collection method: clinical testing. Allele origin: germline.

Labcorp Genetics (formerly Invitae), Labcorp
Classification: Uncertain significance for Syndromic multisystem autoimmune disease due to ITCH deficiency. Last evaluated: 2022-02-05. Review status: criteria provided, single submitter. Criteria: Invitae Variant Classification Sherloc (09022015). Collection method: clinical testing. Allele origin: germline.
Comment: This sequence change replaces glycine, which is neutral and non-polar, with tryptophan, which is neutral and slightly polar, at codon 575 of the ITCH protein (p.Gly575Trp). This variant is present in population databases (no rsID available, gnomAD 0.0009%). This variant has not been reported in the literature in individuals affected with ITCH-related conditions. Algorithms developed to predict the effect of missense changes on protein structure and function are either unavailable or do not agree on the potential impact of this missense change (SIFT: "Not Available"; PolyPhen-2: "Probably Damaging"; Align-GVGD: "Not Available"). In summary, the available evidence is currently insufficient to determine the role of this variant in disease. Therefore, it has been classified as a Variant of Uncertain Significance.